The following is an entry in ClinVar:

NM_001378454.1(ALMS1):c.1022A>G (p.Asp341Gly)

Gene: ALMS1 (ALMS1 centrosome and basal body associated protein; plus strand). Cytogenetic location: 2p13.1.
Variant type: single nucleotide variant.
Coding change: c.1022A>G on transcript NM_001378454.1 (MANE Select); coding-DNA position 1022, A replaced by G.
Protein change: p.Asp341Gly; replaces aspartic acid 341 with glycine.
Molecular consequence: missense variant.
Genome position (GRCh38, 1-based): chr2:73,424,687, A>G. VCF-style: chr2-73424687-A-G. GRCh37 (hg19) VCF-style: chr2-73651815-A-G.
Other names: c.1025A>G, p.Asp342Gly (NM_015120.4); short protein forms D341G, D342G.
Identifiers: ClinVar variation 1513246 (VCV001513246.3), dbSNP rs762728069, ClinGen allele CA1713033.
Genomic context (GRCh38, chr2:73,424,687, plus strand): 5'-AAGAGACTATTTCGTCTGTTGATGAACTGAAAATTCCCAAAGACTGTGATCGTTATGATG[A>G]TCTTTGTTCATATATGTCATGGAAGACACGAAAAGATACACAGTGGCCTGAAAACAATTT-3'
Protein context (NP_001365383.1, residues 331-351): KIPKDCDRYD[Asp341Gly]LCSYMSWKTR

ClinVar aggregate classification (germline): Uncertain significance (1 of 4 stars; one submission).

Conditions:
Alstrom syndrome (ALMS). Identifiers: Orphanet 64, MedGen C0268425, MONDO:0008763, OMIM 203800.

Allele frequency attached by ClinVar (database versions not stated): gnomAD exomes below 0.00001; ExAC 0.00001.
gnomAD v4.1: 2 of 1,614,094 alleles (0.00012%); highest among the groups gnomAD compares: Non-Finnish European, 0.00017%; no homozygotes.

Submission:

Labcorp Genetics (formerly Invitae), Labcorp
Classification: Uncertain significance for Alstrom syndrome. Last evaluated: 2021-11-04. Review status: criteria provided, single submitter. Criteria: Invitae Variant Classification Sherloc (09022015). Collection method: clinical testing. Allele origin: germline.
Comment: This sequence change replaces aspartic acid, which is acidic and polar, with glycine, which is neutral and non-polar, at codon 342 of the ALMS1 protein (p.Asp342Gly). This variant is present in population databases (rs762728069, gnomAD 0.004%). This variant has not been reported in the literature in individuals affected with ALMS1-related conditions. Experimental studies and prediction algorithms are not available or were not evaluated, and the functional significance of this variant is currently unknown. In summary, the available evidence is currently insufficient to determine the role of this variant in disease. Therefore, it has been classified as a Variant of Uncertain Significance.